The following is an entry in ClinVar:

ClinVar aggregate classification (germline): Uncertain significance. Review status: criteria provided, multiple submitters, no conflicts (2 of 4 stars). 2 submissions from 2 submitters: Uncertain significance (2). Last evaluated 2025-08-13.

Conditions:
Inborn genetic diseases. Identifiers: MedGen C0950123, MeSH D030342.

gnomAD v4.1: 1 of 1,612,152 alleles (0.000062%); highest among the groups gnomAD compares: Middle Eastern, 0.017%; no homozygotes.

Submissions (2):

Labcorp Genetics (formerly Invitae), Labcorp
Classification: Uncertain significance. Last evaluated: 2025-08-13. Review status: criteria provided, single submitter. Criteria: Invitae Variant Classification Sherloc (09022015). Collection method: clinical testing. Allele origin: germline.
Comment: This sequence change replaces proline, which is neutral and non-polar, with arginine, which is basic and polar, at codon 1536 of the COL11A1 protein (p.Pro1536Arg). This variant is not present in population databases (gnomAD no frequency). This variant has not been reported in the literature in individuals affected with COL11A1-related conditions. ClinVar contains an entry for this variant (Variation ID: 4004914). Invitae Evidence Modeling of protein sequence and biophysical properties (such as structural, functional, and spatial information, amino acid conservation, physicochemical variation, residue mobility, and thermodynamic stability) has been performed for this missense variant. However, the output from this modeling did not meet the statistical confidence thresholds required to predict the impact of this variant on COL11A1 protein function. In summary, the available evidence is currently insufficient to determine the role of this variant in disease. Therefore, it has been classified as a Variant of Uncertain Significance.

Ambry Genetics
Classification: Uncertain significance for Inborn genetic diseases. Last evaluated: 2025-05-20. Review status: criteria provided, single submitter. Criteria: Ambry Variant Classification Scheme 2023. Collection method: clinical testing. Allele origin: germline.

NM_001854.4(COL11A1):c.4607C>G (p.Pro1536Arg)

Gene: COL11A1 (collagen type XI alpha 1 chain; minus strand). Cytogenetic location: 1p21.1.
Variant type: single nucleotide variant.
Coding change: c.4607C>G on transcript NM_001854.4 (MANE Select); coding-DNA position 4607, C replaced by G.
Protein change: p.Pro1536Arg; replaces proline 1536 with arginine.
Molecular consequence: missense variant. On other transcripts: non-coding transcript variant (1).
Genome position (GRCh38, 1-based): chr1:102,888,578, G>C on the plus strand (C>G on the coding strand, the complement: COL11A1 is on the minus strand). VCF-style: chr1-102888578-G-C. GRCh37 (hg19) VCF-style: chr1-103354134-G-C.
Other names: c.4643C>G, p.Pro1548Arg (NM_080629.3); c.4259C>G, p.Pro1420Arg (NM_080630.4); c.4490C>G, p.Pro1497Arg (NM_001190709.2); short protein forms P1497R, P1536R, P1420R, P1548R.
Identifiers: ClinVar variation 4004914 (VCV004004914.2).